The following is an entry in ClinVar:

ClinVar aggregate classification (germline): Likely pathogenic (1 of 4 stars; one submission).

Submission:

Labcorp Genetics (formerly Invitae), Labcorp
Classification: Likely pathogenic. Last evaluated: 2025-12-08. Review status: criteria provided, single submitter. Criteria: Invitae Variant Classification Sherloc (09022015). Collection method: clinical testing. Allele origin: germline.
Comment: This sequence change affects an acceptor splice site in intron 19 of the ADAMTS17 gene. It is expected to disrupt RNA splicing. Variants that disrupt the donor or acceptor splice site typically lead to a loss of protein function (PMID: 16199547), and loss-of-function variants in ADAMTS17 are known to be pathogenic (PMID: 19836009, 24940034). This variant is not present in population databases (gnomAD no frequency). This variant has not been reported in the literature in individuals affected with ADAMTS17-related conditions. ClinVar contains an entry for this variant (Variation ID: 2705630). Algorithms developed to predict the effect of sequence changes on RNA splicing suggest that this variant may disrupt the consensus splice site. In summary, the currently available evidence indicates that the variant is pathogenic, but additional data are needed to prove that conclusively. Therefore, this variant has been classified as Likely Pathogenic.

Literature cited by the submitters: PubMed 16199547; PubMed 19836009; PubMed 24940034.

NM_139057.4(ADAMTS17):c.2797-1G>A

Gene: ADAMTS17 (ADAM metallopeptidase with thrombospondin type 1 motif 17; minus strand). Cytogenetic location: 15q26.3.
Variant type: single nucleotide variant.
Coding change: c.2797-1G>A on transcript NM_139057.4 (MANE Select); the canonical splice acceptor site of the intron before coding-DNA position 2797, G replaced by A.
Molecular consequence: splice acceptor variant.
Genome position (GRCh38, 1-based): chr15:99,993,201, C>T on the plus strand (G>A on the coding strand, the complement: ADAMTS17 is on the minus strand). VCF-style: chr15-99993201-C-T. GRCh37 (hg19) VCF-style: chr15-100533406-C-T.
Identifiers: ClinVar variation 2705630 (VCV002705630.3), dbSNP rs2547991854, ClinGen allele CA393693689.